The following is an entry in ClinVar:

NM_002972.4(SBF1):c.1095G>A (p.Lys365=)

Gene: SBF1 (SET binding factor 1; minus strand). Cytogenetic location: 22q13.33.
Variant type: single nucleotide variant.
Coding change: c.1095G>A on transcript NM_002972.4 (MANE Select); coding-DNA position 1095, G replaced by A.
Protein change: p.Lys365=; no amino-acid change (lysine 365 retained).
Molecular consequence: synonymous variant.
Genome position (GRCh38, 1-based): chr22:50,465,323, C>T on the plus strand (G>A on the coding strand, the complement: SBF1 is on the minus strand). VCF-style: chr22-50465323-C-T. GRCh37 (hg19) VCF-style: chr22-50903752-C-T.
Other names: c.1098G>A, p.Lys366= (NM_001365819.1).
Identifiers: ClinVar variation 730735 (VCV000730735.11), dbSNP rs146830316, ClinGen allele CA10317821.

ClinVar aggregate classification (germline): Benign. Review status: criteria provided, multiple submitters, no conflicts (2 of 4 stars). 2 submissions from 2 submitters: Benign (2). Last evaluated 2025-11-02.

Conditions:
SBF1-related disorder. Also called: SBF1-related condition.

Allele frequency attached by ClinVar (database versions not stated): gnomAD exomes 0.00013 and 0.00028; ExAC 0.00056; ESP Exome Variant Server 0.00079; TOPMed 0.00134; gnomAD 0.00141 and 0.00145; 1000 Genomes Project 30x 0.00297; 1000 Genomes Project 0.00319.
gnomAD v4.1: 412 of 1,585,516 alleles (0.026%); highest among the groups gnomAD compares: African/African-American, 0.5%; 2 homozygotes.

Submissions (2):

Labcorp Genetics (formerly Invitae), Labcorp
Classification: Benign. Last evaluated: 2025-11-02. Review status: criteria provided, single submitter. Criteria: Invitae Variant Classification Sherloc (09022015). Collection method: clinical testing. Allele origin: germline.

PreventionGenetics, part of Exact Sciences
Classification: Benign for SBF1-related condition. Last evaluated: 2025-04-15. Review status: criteria provided, single submitter. Criteria: ACMG Guidelines, 2015. Collection method: clinical testing. Allele origin: germline.
Comment: This variant is classified as benign based on ACMG/AMP sequence variant interpretation guidelines (Richards et al. 2015 PMID: 25741868, with internal and published modifications).